The following is an entry in ClinVar:

ClinVar aggregate classification (germline): Conflicting classifications of pathogenicity. Review status: criteria provided, conflicting classifications (1 of 4 stars). 2 submissions from 2 submitters: Uncertain significance (1); Likely benign (1). Last evaluated 2026-09-11.

Conditions:
Hypercholesterolemia, autosomal dominant, type B (FHCL2). Also called: Familial Hypercholesterolemia Type B; APOLIPOPROTEIN B-100, FAMILIAL DEFECTIVE; APOLIPOPROTEIN B-100, FAMILIAL LIGAND-DEFECTIVE; HYPERCHOLESTEROLEMIA, FAMILIAL, DUE TO LIGAND-DEFECTIVE APOLIPOPROTEIN B; Hyperlipoproteinemia Type IIb; Familial hypercholesterolemia 2. Identifiers: MedGen C1704417, MONDO:0007751, OMIM 144010.
Familial hypobetalipoproteinemia 1. Also called: APOB-Related Familial Hypobetalipoproteinemia; Hypobetalipoproteinemia, normotriglyceridemic; Acanthocytosis with hypobetalipoproteinemia. Identifiers: MedGen C4551990, MONDO:0014252, OMIM 615558.
Cardiovascular phenotype. Identifiers: MedGen CN230736.

gnomAD v4.1: 2 of 1,614,124 alleles (0.00012%); highest among the groups gnomAD compares: Admixed American, 0.0017%; no homozygotes.

Submissions (2):

Ambry Genetics
Classification: Uncertain significance for Cardiovascular phenotype. Last evaluated: 2026-09-11. Review status: criteria provided, single submitter. Criteria: Ambry Variant Classification Scheme 2023. Collection method: clinical testing. Allele origin: germline.
Comment: The p.M3111L variant (also known as c.9331A>T), located in coding exon 26 of the APOB gene, results from an A to T substitution at nucleotide position 9331. The methionine at codon 3111 is replaced by leucine, an amino acid with highly similar properties. This amino acid position is conserved. In addition, this alteration is predicted to be tolerated by in silico analysis. Based on the available evidence, the clinical significance of this variant remains unclear.

Labcorp Genetics (formerly Invitae), Labcorp
Classification: Likely benign for Familial hypobetalipoproteinemia 1; Hypercholesterolemia, autosomal dominant, type B. Last evaluated: 2026-01-11. Review status: criteria provided, single submitter. Criteria: Invitae Variant Classification Sherloc (09022015). Collection method: clinical testing. Allele origin: germline.

NM_000384.3(APOB):c.9331A>T (p.Met3111Leu)

Gene: APOB (apolipoprotein B; minus strand). Cytogenetic location: 2p24.1.
Variant type: single nucleotide variant.
Coding change: c.9331A>T on transcript NM_000384.3 (MANE Select); coding-DNA position 9331, A replaced by T.
Protein change: p.Met3111Leu; replaces methionine 3111 with leucine.
Molecular consequence: missense variant.
Genome position (GRCh38, 1-based): chr2:21,007,537, T>A on the plus strand (A>T on the coding strand, the complement: APOB is on the minus strand). VCF-style: chr2-21007537-T-A. GRCh37 (hg19) VCF-style: chr2-21230409-T-A.
Other names: short protein forms M3111L.
Identifiers: ClinVar variation 3308272 (VCV003308272.3).